The following is an entry in ClinVar:

NM_002528.7(NTHL1):c.93C>T (p.Leu31=)

Gene: NTHL1 (nth like DNA glycosylase 1; minus strand). Cytogenetic location: 16p13.3.
Variant type: single nucleotide variant.
Coding change: c.93C>T on transcript NM_002528.7 (MANE Select); coding-DNA position 93, C replaced by T.
Protein change: p.Leu31=; no amino-acid change (leucine 31 retained).
Molecular consequence: synonymous variant. On other transcripts: 5 prime UTR variant (1).
Genome position (GRCh38, 1-based): chr16:2,047,731, G>A on the plus strand (C>T on the coding strand, the complement: NTHL1 is on the minus strand). VCF-style: chr16-2047731-G-A. GRCh37 (hg19) VCF-style: chr16-2097732-G-A.
Other names: c.93C>T, p.Leu31= (NM_001318193.2); c.-86C>T (NM_001318194.2).
Identifiers: ClinVar variation 762472 (VCV000762472.12), dbSNP rs1171088713, ClinGen allele CA492953542.

ClinVar aggregate classification (germline): Conflicting classifications of pathogenicity. Review status: criteria provided, conflicting classifications (1 of 4 stars). 3 submissions from 3 submitters: Uncertain significance (1); Likely benign (2). Last evaluated 2024-07-23.

Conditions:
Hereditary cancer-predisposing syndrome. Also called: Tumor predisposition; Neoplastic Syndromes, Hereditary; Hereditary Cancer Syndrome; Hereditary neoplastic syndrome. Identifiers: Orphanet 140162, MedGen C0027672, MeSH D009386, MONDO:0015356.

Allele frequency attached by ClinVar (database versions not stated): gnomAD exomes 0.00001.
gnomAD v4.1: 1 of 1,584,386 alleles (0.000063%); highest among the groups gnomAD compares: Non-Finnish European, 0.000085%; no homozygotes.

Submissions (3):

GeneDx
Classification: Uncertain significance. Last evaluated: 2024-07-23. Review status: criteria provided, single submitter. Criteria: GeneDx Variant Classification Process June 2021. Collection method: clinical testing. Allele origin: germline. Affected: yes.
Comment: Not observed at significant frequency in large population cohorts (gnomAD); In silico analysis indicates that this variant does not alter splicing; Has not been previously published as pathogenic or benign to our knowledge

Labcorp Genetics (formerly Invitae), Labcorp
Classification: Likely benign. Last evaluated: 2024-06-23. Review status: criteria provided, single submitter. Criteria: Invitae Variant Classification Sherloc (09022015). Collection method: clinical testing. Allele origin: germline.

Ambry Genetics
Classification: Likely benign for Hereditary cancer-predisposing syndrome. Last evaluated: 2021-02-17. Review status: criteria provided, single submitter. Criteria: Ambry Variant Classification Scheme 2023. Collection method: clinical testing. Allele origin: germline.